The following is an entry in ClinVar:

ClinVar aggregate classification (germline): Conflicting classifications of pathogenicity. Review status: criteria provided, conflicting classifications (1 of 4 stars). 5 submissions from 5 submitters: Uncertain significance (2); Likely benign (1). 2 of the submissions do not count toward it. Last evaluated 2025-07-22.

Conditions:
Nemaline myopathy 2 (NEM2). Also called: Nemaline myopathy 2, autosomal recessive. Identifiers: MedGen C1850569, MONDO:0009725, OMIM 256030.
NEB-related disorder. Also called: NEB-Related Disorders; NEB-related condition.

Allele frequency attached by ClinVar (database versions not stated): gnomAD 0.00003 and 0.00002; ExAC 0.00002; gnomAD exomes 0.00003; TOPMed 0.00004; ESP Exome Variant Server 0.00008.

Submissions (5):

Labcorp Genetics (formerly Invitae), Labcorp
Classification: Likely benign for Nemaline myopathy 2. Last evaluated: 2025-07-22. Review status: criteria provided, single submitter. Criteria: Invitae Variant Classification Sherloc (09022015). Collection method: clinical testing. Allele origin: germline.

Revvity Omics, Revvity
Classification: Uncertain significance. Last evaluated: 2024-12-27. Review status: criteria provided, single submitter. Criteria: ACMG Guidelines, 2015. Collection method: clinical testing. Allele origin: germline.

Mayo Clinic Laboratories, Mayo Clinic
Classification: Uncertain significance. Last evaluated: 2021-11-12. Review status: criteria provided, single submitter. Criteria: ACMG Guidelines, 2015. Collection method: clinical testing. Allele origin: germline.

PreventionGenetics, part of Exact Sciences
Classification: Uncertain significance for NEB-related condition. Last evaluated: 2024-01-12. Review status: no assertion criteria provided. Collection method: clinical testing. Allele origin: germline. Not counted in ClinVar's aggregate classification.
Comment: The NEB c.17129A>G variant is predicted to result in the amino acid substitution p.Lys5710Arg. To our knowledge, this variant has not been reported in the literature. This variant is reported in 0.0066% of alleles in individuals of African descent in gnomAD. At this time, the clinical significance of this variant is uncertain due to the absence of conclusive functional and genetic evidence.

Natera, Inc.
Classification: Uncertain significance for Nemaline myopathy type 2. Last evaluated: 2020-01-17. Review status: no assertion criteria provided. Collection method: clinical testing. Allele origin: germline. Not counted in ClinVar's aggregate classification.

NM_001164508.2(NEB):c.17129A>G (p.Lys5710Arg)

Gene: NEB (nebulin; minus strand). Cytogenetic location: 2q23.3.
Variant type: single nucleotide variant.
Coding change: c.17129A>G on transcript NM_001164508.2 (MANE Select); coding-DNA position 17129, A replaced by G.
Protein change: p.Lys5710Arg; replaces lysine 5710 with arginine.
Molecular consequence: missense variant.
Genome position (GRCh38, 1-based): chr2:151,570,382, T>C on the plus strand (A>G on the coding strand, the complement: NEB is on the minus strand). VCF-style: chr2-151570382-T-C. GRCh37 (hg19) VCF-style: chr2-152426896-T-C.
Other names: p.Lys4009Arg; c.17129A>G, p.Lys5710Arg (NM_001164507.2, NM_001271208.2); c.12026A>G, p.Lys4009Arg (NM_004543.5); c.12026A>G (NM_004543.4); short protein forms K5710R, K4009R.
Identifiers: ClinVar variation 648098 (VCV000648098.14), dbSNP rs200501968, ClinGen allele CA1908277.